The following is an entry in ClinVar:

NM_001127222.2(CACNA1A):c.6202C>G (p.Arg2068Gly)

Gene: CACNA1A (calcium voltage-gated channel subunit alpha1 A; minus strand). Cytogenetic location: 19p13.13.
Variant type: single nucleotide variant.
Coding change: c.6202C>G on transcript NM_001127222.2 (MANE Select); coding-DNA position 6202, C replaced by G.
Protein change: p.Arg2068Gly; replaces arginine 2068 with glycine.
Molecular consequence: missense variant.
Genome position (GRCh38, 1-based): chr19:13,212,204, G>C on the plus strand (C>G on the coding strand, the complement: CACNA1A is on the minus strand). VCF-style: chr19-13212204-G-C. GRCh37 (hg19) VCF-style: chr19-13323018-G-C.
Other names: c.6220C>G, p.Arg2074Gly (NM_000068.4, NM_023035.3); c.6205C>G, p.Arg2069Gly (NM_001127221.2); c.6211C>G, p.Arg2071Gly (NM_001174080.2); short protein forms R2069G, R2068G, R2074G, R2071G.
Identifiers: ClinVar variation 1370869 (VCV001370869.6), dbSNP rs779221807, ClinGen allele CA404332493.

ClinVar aggregate classification (germline): Uncertain significance (1 of 4 stars; one submission).

Conditions:
Episodic ataxia type 2 (EA2). Also called: ATAXIA, EPISODIC, WITH NYSTAGMUS; ATAXIA, FAMILIAL PAROXYSMAL; CEREBELLAR ATAXIA, PAROXYSMAL, ACETAZOLAMIDE-RESPONSIVE; CEREBELLOPATHY, HEREDITARY PAROXYSMAL; EPISODIC ATAXIA, NYSTAGMUS-ASSOCIATED; ACETAZOLAMIDE-RESPONSIVE HEREDITARY PAROXYSMAL CEREBELLAR ATAXIA. Identifiers: Orphanet 97, MedGen C1720416, MONDO:0007163, OMIM 108500.
Developmental and epileptic encephalopathy, 42 (DEE42A). Also called: DEVELOPMENTAL AND EPILEPTIC ENCEPHALOPATHY 42A; EPILEPTIC ENCEPHALOPATHY, EARLY INFANTILE, 42A; Epileptic encephalopathy, early infantile, 42. Identifiers: MedGen C4310716, MONDO:0014917, OMIM 617106.

Submission:

Labcorp Genetics (formerly Invitae), Labcorp
Classification: Uncertain significance for Developmental and epileptic encephalopathy, 42; Episodic ataxia type 2. Last evaluated: 2023-02-11. Review status: criteria provided, single submitter. Criteria: Invitae Variant Classification Sherloc (09022015). Collection method: clinical testing. Allele origin: germline.
Comment: This sequence change replaces arginine, which is basic and polar, with glycine, which is neutral and non-polar, at codon 2069 of the CACNA1A protein (p.Arg2069Gly). This variant is not present in population databases (gnomAD no frequency). This variant has not been reported in the literature in individuals affected with CACNA1A-related conditions. ClinVar contains an entry for this variant (Variation ID: 1370869). Advanced modeling of protein sequence and biophysical properties (such as structural, functional, and spatial information, amino acid conservation, physicochemical variation, residue mobility, and thermodynamic stability) performed at Invitae indicates that this missense variant is not expected to disrupt CACNA1A protein function. In summary, the available evidence is currently insufficient to determine the role of this variant in disease. Therefore, it has been classified as a Variant of Uncertain Significance.